The following is an entry in ClinVar:

ClinVar aggregate classification (germline): Conflicting classifications of pathogenicity. Review status: criteria provided, conflicting classifications (1 of 4 stars). 2 submissions from 2 submitters: Uncertain significance (1); Likely benign (1). Last evaluated 2025-10-27.

Conditions:
SCN11A-related disorder. Also called: SCN11A-related condition.
Familial episodic pain syndrome with predominantly lower limb involvement. Also called: Episodic pain syndrome, familial, 3. Identifiers: Orphanet 391384, Orphanet 391392, MedGen C3809899, MONDO:0014247, OMIM 615552.
Hereditary sensory and autonomic neuropathy type 7. Also called: HSAN VII; Neuropathy, hereditary sensory and autonomic, type VII. Identifiers: Orphanet 391397, MedGen C3809882, MONDO:0014244, OMIM 615548.

Allele frequency attached by ClinVar (database versions not stated): ExAC 0.00002; gnomAD exomes 0.00002; TOPMed 0.00003.
gnomAD v4.1: 26 of 1,532,304 alleles (0.0017%); highest among the groups gnomAD compares: South Asian, 0.0056%; no homozygotes.

Submissions (2):

Labcorp Genetics (formerly Invitae), Labcorp
Classification: Uncertain significance for Familial episodic pain syndrome with predominantly lower limb involvement; Hereditary sensory and autonomic neuropathy type 7. Last evaluated: 2025-10-27. Review status: criteria provided, single submitter. Criteria: Invitae Variant Classification Sherloc (09022015). Collection method: clinical testing. Allele origin: germline.
Comment: This sequence change falls in intron 20 of the SCN11A gene. It does not directly change the encoded amino acid sequence of the SCN11A protein. It affects a nucleotide within the consensus splice site. This variant is present in population databases (rs748710219, gnomAD 0.007%). This variant has not been reported in the literature in individuals affected with SCN11A-related conditions. ClinVar contains an entry for this variant (Variation ID: 946364). Variants that disrupt the consensus splice site are a relatively common cause of aberrant splicing (PMID: 17576681, 9536098). Algorithms developed to predict the effect of sequence changes on RNA splicing suggest that this variant is not likely to affect RNA splicing. In summary, the available evidence is currently insufficient to determine the role of this variant in disease. Therefore, it has been classified as a Variant of Uncertain Significance.

PreventionGenetics, part of Exact Sciences
Classification: Likely benign for SCN11A-related condition. Last evaluated: 2025-04-24. Review status: criteria provided, single submitter. Criteria: ACMG Guidelines, 2015. Collection method: clinical testing. Allele origin: germline.
Comment: This variant is classified as likely benign based on ACMG/AMP sequence variant interpretation guidelines (Richards et al. 2015 PMID: 25741868, with internal and published modifications).

Literature cited by the submitters: PubMed 17576681 (cited by Labcorp Genetics (formerly Invitae), Labcorp); PubMed 9536098 (cited by Labcorp Genetics (formerly Invitae), Labcorp).

NM_001349253.2(SCN11A):c.3495+5A>C

Gene: SCN11A (sodium voltage-gated channel alpha subunit 11; minus strand). Cytogenetic location: 3p22.2.
Variant type: single nucleotide variant.
Coding change: c.3495+5A>C on transcript NM_001349253.2 (MANE Select); 5 bases into the intron after coding-DNA position 3495, A replaced by C.
Molecular consequence: intron variant.
Genome position (GRCh38, 1-based): chr3:38,872,188, T>G on the plus strand (A>C on the coding strand, the complement: SCN11A is on the minus strand). VCF-style: chr3-38872188-T-G. GRCh37 (hg19) VCF-style: chr3-38913679-T-G.
Other names: c.3495+5A>C (NM_014139.3).
Identifiers: ClinVar variation 946364 (VCV000946364.7), dbSNP rs748710219, ClinGen allele CA2321773.